The following is an entry in ClinVar:

NM_006017.3(PROM1):c.2537A>C (p.Tyr846Ser)

Gene: PROM1 (prominin 1; minus strand). Cytogenetic location: 4p15.32.
Variant type: single nucleotide variant.
Coding change: c.2537A>C on transcript NM_006017.3 (MANE Select); coding-DNA position 2537, A replaced by C.
Protein change: p.Tyr846Ser; replaces tyrosine 846 with serine.
Molecular consequence: missense variant. On other transcripts: intron variant (6).
Genome position (GRCh38, 1-based): chr4:15,979,440, T>G on the plus strand (A>C on the coding strand, the complement: PROM1 is on the minus strand). VCF-style: chr4-15979440-T-G. GRCh37 (hg19) VCF-style: chr4-15981063-T-G.
Other names: c.2510A>C, p.Tyr837Ser (NM_001145847.2, NM_001145848.2, NM_001371406.1); c.2462+982A>C (NM_001145852.2, NM_001371408.1, NM_001371407.1); c.2489+982A>C (NM_001145850.2); c.2486+441A>C (NM_001145851.2); c.2513+441A>C (NM_001145849.2); short protein forms Y837S, Y846S.
Identifiers: ClinVar variation 1716391 (VCV001716391.5), dbSNP rs2474850479, ClinGen allele CA356425792.

ClinVar aggregate classification (germline): Uncertain significance (1 of 4 stars; one submission).

gnomAD v4.1: 1 of 1,612,260 alleles (0.000062%); highest among the groups gnomAD compares: Admixed American, 0.0017%; no homozygotes.

Submission:

Labcorp Genetics (formerly Invitae), Labcorp
Classification: Uncertain significance. Last evaluated: 2022-08-22. Review status: criteria provided, single submitter. Criteria: Invitae Variant Classification Sherloc (09022015). Collection method: clinical testing. Allele origin: germline.
Comment: In summary, the available evidence is currently insufficient to determine the role of this variant in disease. Therefore, it has been classified as a Variant of Uncertain Significance. Algorithms developed to predict the effect of missense changes on protein structure and function output the following: SIFT: "Deleterious"; PolyPhen-2: "Probably Damaging"; Align-GVGD: "Class C0". The serine amino acid residue is found in multiple mammalian species, which suggests that this missense change does not adversely affect protein function. This variant has not been reported in the literature in individuals affected with PROM1-related conditions. This variant is not present in population databases (gnomAD no frequency). This sequence change replaces tyrosine, which is neutral and polar, with serine, which is neutral and polar, at codon 846 of the PROM1 protein (p.Tyr846Ser).